The following is an entry in ClinVar:

ClinVar aggregate classification (germline): Uncertain significance. Review status: criteria provided, multiple submitters, no conflicts (2 of 4 stars). 2 submissions from 2 submitters: Uncertain significance (2). Last evaluated 2025-12-10.

Conditions:
Hypertrophic cardiomyopathy. Also called: HYPERTROPHIC MYOCARDIOPATHY. Identifiers: Orphanet 217569, MedGen C0007194, MeSH D002312, MONDO:0005045, HP:0001639.

gnomAD v4.1: 7 of 1,613,438 alleles (0.00043%); highest among the groups gnomAD compares: Non-Finnish European, 0.00051%; no homozygotes.

Submissions (2):

Dasa
Classification: Uncertain significance. Last evaluated: 2025-12-10. Review status: criteria provided, single submitter. Criteria: DASA Assertion Criteria. Collection method: clinical testing. Allele origin: germline.
Comment: NM_000258.3(MYL3):c.307+5T>G is a splice-region variant. This variant is rare in population databases. Computational prediction algorithms are consistent with a benign effect. The currently available literature and clinical evidence are not sufficient to establish a definitive association between this variant and the reported condition. Therefore, this variant is classified as a variant of uncertain significance.

All of Us Research Program, National Institutes of Health
Classification: Uncertain significance for Hypertrophic cardiomyopathy. Last evaluated: 2024-07-29. Review status: criteria provided, single submitter. Criteria: ACMG Guidelines, 2015. Collection method: clinical testing. Allele origin: germline. Inheritance: Autosomal dominant inheritance. Observed: 1 variant allele, 1 heterozygote.
Comment: This variant causes a T to G nucleotide substitution at the +5 position of intron 3 of the MYL3 gene. To our knowledge, functional studies have not been reported for this variant. This variant has not been reported in individuals affected with MYL3-related disorders in the literature. This variant has been identified in 2/250644 chromosomes in the general population by the Genome Aggregation Database (gnomAD). The available evidence is insufficient to determine the role of this variant in disease conclusively. Therefore, this variant is classified as a Variant of Uncertain Significance.

This study involves interpretation of variants in research participants for the purpose of population health screening. Participant phenotype was not available at the time of variant classification. Additional details can be found in publication PMID: 35346344, PMCID: PMC8962531

NM_000258.3(MYL3):c.307+5T>G

Gene: MYL3 (myosin light chain 3; minus strand). Cytogenetic location: 3p21.31.
Variant type: single nucleotide variant.
Coding change: c.307+5T>G on transcript NM_000258.3 (MANE Select); 5 bases into the intron after coding-DNA position 307, T replaced by G.
Molecular consequence: intron variant.
Genome position (GRCh38, 1-based): chr3:46,860,671, A>C on the plus strand (T>G on the coding strand, the complement: MYL3 is on the minus strand). VCF-style: chr3-46860671-A-C. GRCh37 (hg19) VCF-style: chr3-46902161-A-C.
Other names: c.307+5T>G (NM_001406939.1, NM_001406938.1, NM_001406937.1); c.133+5T>G (NM_001406940.1, NM_001406941.1).
Identifiers: ClinVar variation 3387380 (VCV003387380.3).